The following is an entry in ClinVar:

NM_001384140.1(PCDH15):c.4840A>G (p.Thr1614Ala)

Gene: PCDH15 (protocadherin related 15; minus strand). Cytogenetic location: 10q21.1.
Variant type: single nucleotide variant.
Coding change: c.4840A>G on transcript NM_001384140.1 (MANE Select); coding-DNA position 4840, A replaced by G.
Protein change: p.Thr1614Ala; replaces threonine 1614 with alanine.
Molecular consequence: missense variant.
Genome position (GRCh38, 1-based): chr10:53,806,962, T>C on the plus strand (A>G on the coding strand, the complement: PCDH15 is on the minus strand). VCF-style: chr10-53806962-T-C. GRCh37 (hg19) VCF-style: chr10-55566722-T-C.
Other names: c.4666A>G, p.Thr1556Ala (NM_001142771.2); c.4651A>G, p.Thr1551Ala (NM_001142772.2); c.4645A>G, p.Thr1549Ala (NM_001354420.2); c.4774A>G, p.Thr1592Ala (NM_001354429.2); short protein forms T1549A, T1551A, T1556A, T1592A, T1614A.
Identifiers: ClinVar variation 930638 (VCV000930638.3), dbSNP rs775845546, ClinGen allele CA376517385.

ClinVar aggregate classification (germline): Uncertain significance (1 of 4 stars; one submission).

Conditions:
Usher syndrome type 1D (USH1D). Also called: USHER SYNDROME, TYPE ID. Identifiers: Orphanet 231169, Orphanet 886, MedGen C1832845, MONDO:0010984, OMIM 601067.

Allele frequency attached by ClinVar (database versions not stated): gnomAD exomes below 0.00001.
gnomAD v4.1: 1 of 1,613,566 alleles (0.000062%); highest among the groups gnomAD compares: Non-Finnish European, 0.000085%; no homozygotes.

Submission:

Centre for Mendelian Genomics, University Medical Centre Ljubljana
Classification: Uncertain significance for Usher syndrome type 1D. Last evaluated: 2019-09-18. Review status: criteria provided, single submitter. Criteria: ACMG Guidelines, 2015. Collection method: clinical testing. Allele origin: unknown. Affected: yes.
Comment: This variant was classified as: Uncertain significance. The available evidence on this variant's pathogenicity is insufficient or conflicting. The following ACMG criteria were applied in classifying this variant: PM2,PP3.